The following is an entry in ClinVar:

NM_002691.4(POLD1):c.1934A>G (p.Glu645Gly)

Gene: POLD1 (DNA polymerase delta 1, catalytic subunit; plus strand). Cytogenetic location: 19q13.33.
Variant type: single nucleotide variant.
Coding change: c.1934A>G on transcript NM_002691.4 (MANE Select); coding-DNA position 1934, A replaced by G.
Protein change: p.Glu645Gly; replaces glutamic acid 645 with glycine.
Molecular consequence: missense variant. On other transcripts: non-coding transcript variant (1).
Genome position (GRCh38, 1-based): chr19:50,409,163, A>G. VCF-style: chr19-50409163-A-G. GRCh37 (hg19) VCF-style: chr19-50912420-A-G.
Other names: c.1934A>G, p.Glu645Gly (NM_001256849.1); c.2012A>G, p.Glu671Gly (NM_001308632.1); short protein forms E671G, E645G.
Identifiers: ClinVar variation 652538 (VCV000652538.12), dbSNP rs1328053279, ClinGen allele CA406982271.

ClinVar aggregate classification (germline): Conflicting classifications of pathogenicity. Review status: criteria provided, conflicting classifications (1 of 4 stars). 2 submissions from 2 submitters: Uncertain significance (1); Likely benign (1). Last evaluated 2025-02-06.

Conditions:
POLD1-related polyposis and colorectal cancer syndrome (CRCS10). Also called: Colorectal cancer, susceptibility to, 10; Colorectal cancer 10; COLORECTAL CANCER, SUSCEPTIBILITY TO, ON CHROMOSOME 19q. Identifiers: Orphanet 220460, MedGen C2675481, MONDO:0012953, OMIM 612591.
Hereditary cancer-predisposing syndrome. Also called: Hereditary neoplastic syndrome; Tumor predisposition; Hereditary Cancer Syndrome; Neoplastic Syndromes, Hereditary. Identifiers: Orphanet 140162, MedGen C0027672, MeSH D009386, MONDO:0015356.

Allele frequency attached by ClinVar (database versions not stated): gnomAD exomes below 0.00001; gnomAD 0.00001; TOPMed 0.00001.
gnomAD v4.1: 3 of 1,613,646 alleles (0.00019%); highest among the groups gnomAD compares: Non-Finnish European, 0.00025%; no homozygotes.

Submissions (2):

Ambry Genetics
Classification: Likely benign for Hereditary cancer-predisposing syndrome. Last evaluated: 2025-02-06. Review status: criteria provided, single submitter. Criteria: Ambry Variant Classification Scheme 2023. Collection method: clinical testing. Allele origin: germline.

Labcorp Genetics (formerly Invitae), Labcorp
Classification: Uncertain significance for POLD1-related polyposis and colorectal cancer syndrome. Last evaluated: 2024-10-17. Review status: criteria provided, single submitter. Criteria: Invitae Variant Classification Sherloc (09022015). Collection method: clinical testing. Allele origin: germline.
Comment: This sequence change replaces glutamic acid, which is acidic and polar, with glycine, which is neutral and non-polar, at codon 645 of the POLD1 protein (p.Glu645Gly). This variant is not present in population databases (gnomAD no frequency). This variant has not been reported in the literature in individuals affected with POLD1-related conditions. ClinVar contains an entry for this variant (Variation ID: 652538). Invitae Evidence Modeling of protein sequence and biophysical properties (such as structural, functional, and spatial information, amino acid conservation, physicochemical variation, residue mobility, and thermodynamic stability) indicates that this missense variant is not expected to disrupt POLD1 protein function with a negative predictive value of 80%. In summary, the available evidence is currently insufficient to determine the role of this variant in disease. Therefore, it has been classified as a Variant of Uncertain Significance.